The following is an entry in ClinVar:

ClinVar aggregate classification (germline): Pathogenic (1 of 4 stars; one submission).

Conditions:
Hereditary cancer-predisposing syndrome. Also called: Neoplastic Syndromes, Hereditary; Tumor predisposition; Hereditary Cancer Syndrome; Hereditary neoplastic syndrome. Identifiers: Orphanet 140162, MedGen C0027672, MeSH D009386, MONDO:0015356.

Submission:

Ambry Genetics
Classification: Pathogenic for Hereditary cancer-predisposing syndrome. Last evaluated: 2019-02-08. Review status: criteria provided, single submitter. Criteria: Ambry Variant Classification Scheme 2023. Collection method: clinical testing. Allele origin: germline.
Comment: The p.L1239* pathogenic mutation (also known as c.3716T>G), located in coding exon 24 of the ATM gene, results from a T to G substitution at nucleotide position 3716. This changes the amino acid from a leucine to a stop codon within coding exon 24. This alteration is expected to result in loss of function by premature protein truncation or nonsense-mediated mRNA decay. As such, this alteration is interpreted as a disease-causing mutation.

NM_000051.4(ATM):c.3716T>G (p.Leu1239Ter)

Gene: ATM (ATM serine/threonine kinase; plus strand). Cytogenetic location: 11q22.3.
Variant type: single nucleotide variant.
Coding change: c.3716T>G on transcript NM_000051.4 (MANE Select); coding-DNA position 3716, T replaced by G.
Protein change: p.Leu1239Ter; replaces leucine 1239 with a stop codon.
Molecular consequence: nonsense.
Genome position (GRCh38, 1-based): chr11:108,282,849, T>G. VCF-style: chr11-108282849-T-G. GRCh37 (hg19) VCF-style: chr11-108153576-T-G.
Other names: c.3716T>G, p.Leu1239Ter (NM_001351834.2); short protein forms L1239*.
Identifiers: ClinVar variation 1734243 (VCV001734243.2), dbSNP rs2546880409, ClinGen allele CA382523720.